The following is an entry in ClinVar:

ClinVar aggregate classification (germline): Uncertain significance. Review status: reviewed by expert panel (3 of 4 stars). 2 submissions from 2 submitters: Uncertain significance (1). 1 of the submissions does not count toward it. Last evaluated 2024-10-29.

Conditions:
Hereditary thrombocytopenia and hematologic cancer predisposition syndrome. Identifiers: Orphanet 71290, MedGen CN281654, MONDO:0011071.
Hereditary thrombocytopenia and hematological cancer predisposition syndrome associated with RUNX1. Also called: Familial Platelet Disorder with Propensity to Acute Myelogenous Leukemia; Familial thrombocytopenia with propensity to acute myelogenous leukemia; RUNX1 Familial Platelet Disorder with Associated Myeloid Malignancies; PLATELET DISORDER, ASPIRIN-LIKE. Identifiers: Orphanet 71290, MedGen C1832388, MeSH C563324, MONDO:0100083, OMIM 601399.

Submissions (2):

ClinGen Myeloid Malignancy Variant Curation Expert Panel
Classification: Uncertain significance for Hereditary thrombocytopenia and hematologic cancer predisposition syndrome. Last evaluated: 2024-10-29. Review status: reviewed by expert panel. Criteria: ClinGen MyeloMalig ACMG Specifications v2. Collection method: curation. Allele origin: germline. Inheritance: Autosomal dominant inheritance.
Comment: NM_001754.5(RUNX1):c.29T>C (p.Phe10Ser) is a missense variant which is completely absent from all population databases with at least 20x coverage for RUNX1 (PM2_Supporting). In summary, the clinical significance of this variant is uncertain. ACMG/AMP criteria applied, as specified by the Myeloid Malignancy Variant Curation Expert Panel for RUNX1: PM2_supporting.

Labcorp Genetics (formerly Invitae), Labcorp
Classification: Uncertain significance for Hereditary thrombocytopenia and hematological cancer predisposition syndrome associated with RUNX1. Last evaluated: 2021-02-28. Review status: criteria provided, single submitter. Criteria: Invitae Variant Classification Sherloc (09022015). Collection method: clinical testing. Allele origin: germline. Not counted in ClinVar's aggregate classification.
Comment: This sequence change replaces phenylalanine with serine at codon 10 of the RUNX1 protein (p.Phe10Ser). The phenylalanine residue is weakly conserved and there is a large physicochemical difference between phenylalanine and serine. In summary, the available evidence is currently insufficient to determine the role of this variant in disease. Therefore, it has been classified as a Variant of Uncertain Significance. Algorithms developed to predict the effect of missense changes on protein structure and function (SIFT, PolyPhen-2, Align-GVGD) all suggest that this variant is likely to be tolerated, but these predictions have not been confirmed by published functional studies and their clinical significance is uncertain. This variant has not been reported in the literature in individuals with RUNX1-related conditions. This variant is not present in population databases (ExAC no frequency).

NM_001754.5(RUNX1):c.29T>C (p.Phe10Ser)

Gene: RUNX1 (RUNX family transcription factor 1; minus strand). Cytogenetic location: 21q22.12.
Variant type: single nucleotide variant.
Coding change: c.29T>C on transcript NM_001754.5 (MANE Select); coding-DNA position 29, T replaced by C.
Protein change: p.Phe10Ser; replaces phenylalanine 10 with serine.
Molecular consequence: missense variant.
Genome position (GRCh38, 1-based): chr21:35,048,871, A>G on the plus strand (T>C on the coding strand, the complement: RUNX1 is on the minus strand). VCF-style: chr21-35048871-A-G. GRCh37 (hg19) VCF-style: chr21-36421168-A-G.
Other names: NM_001754.5(RUNX1):c.29T>C; p.Phe10Ser; short protein forms F10S.
Identifiers: ClinVar variation 1430436 (VCV001430436.10), dbSNP rs2147041857, ClinGen allele CA410208250.
Genomic context (GRCh38, chr21:35,048,871, plus strand): 5'-AGTAGATATTACAAGACCAGCATGTACTCACCTCTCATGAAGCACTGTGGGTACGAAGGA[A>G]ATGACTCAAATATGCTGTCTGAAGCCATCGCTTCCTCCTGAAAATGCACCCTCTTCTGAA-3'
Protein context (NP_001745.2, residues 1-20): MASDSIFES[Phe10Ser]PSYPQCFMRE